The following is an entry in ClinVar:

ClinVar aggregate classification (germline): Uncertain significance (1 of 4 stars; one submission).

Conditions:
Emery-Dreifuss muscular dystrophy 4, autosomal dominant (EDMD4). Also called: EMERY-DREIFUSS MUSCULAR DYSTROPHY 4 WITH VARIABLE FEATURES. Identifiers: Orphanet 261, MedGen C2751807, MONDO:0013071, OMIM 612998.
Autosomal recessive ataxia, Beauce type. Also called: Spinocerebellar ataxia, autosomal recessive 8; ATAXIA, RECESSIVE, OF BEAUCE; SYNE1 Deficiency; SYNE1-Related Autosomal Recessive Cerebellar Ataxia. Identifiers: Orphanet 88644, MedGen C1853116, MONDO:0012549, OMIM 610743.

Submission:

Labcorp Genetics (formerly Invitae), Labcorp
Classification: Uncertain significance for Emery-Dreifuss muscular dystrophy 4, autosomal dominant; Autosomal recessive ataxia, Beauce type. Last evaluated: 2021-12-02. Review status: criteria provided, single submitter. Criteria: Invitae Variant Classification Sherloc (09022015). Collection method: clinical testing. Allele origin: germline.
Comment: In summary, the available evidence is currently insufficient to determine the role of this variant in disease. Therefore, it has been classified as a Variant of Uncertain Significance. Algorithms developed to predict the effect of missense changes on protein structure and function are either unavailable or do not agree on the potential impact of this missense change (SIFT: "Deleterious"; PolyPhen-2: "Benign"; Align-GVGD: "Class C0"). This variant has not been reported in the literature in individuals affected with SYNE1-related conditions. This variant is not present in population databases (gnomAD no frequency). This sequence change replaces serine, which is neutral and polar, with leucine, which is neutral and non-polar, at codon 7835 of the SYNE1 protein (p.Ser7835Leu).

NM_182961.4(SYNE1):c.23717C>T (p.Ser7906Leu)

Gene: SYNE1 (spectrin repeat containing nuclear envelope protein 1; minus strand). Cytogenetic location: 6q25.2.
Variant type: single nucleotide variant.
Coding change: c.23717C>T on transcript NM_182961.4 (MANE Select); coding-DNA position 23717, C replaced by T.
Protein change: p.Ser7906Leu; replaces serine 7906 with leucine.
Molecular consequence: missense variant.
Genome position (GRCh38, 1-based): chr6:152,164,236, G>A on the plus strand (C>T on the coding strand, the complement: SYNE1 is on the minus strand). VCF-style: chr6-152164236-G-A. GRCh37 (hg19) VCF-style: chr6-152485371-G-A.
Other names: c.323C>T, p.Ser108Leu (NM_001347701.2); c.182C>T, p.Ser61Leu (NM_001347702.2); c.23504C>T, p.Ser7835Leu (NM_033071.5); short protein forms S108L, S61L, S7835L, S7906L.
Identifiers: ClinVar variation 1439301 (VCV001439301.9), dbSNP rs2153025842, ClinGen allele CA366088777.